The following is an entry in ClinVar:

NM_001211.6(BUB1B):c.2681T>A (p.Ile894Asn)

Genes: BUB1B (BUB1 mitotic checkpoint serine/threonine kinase B; plus strand), BUB1B-PAK6 (BUB1B-PAK6 readthrough; plus strand). Cytogenetic location: 15q15.1.
Variant type: single nucleotide variant.
Coding change: c.2681T>A on transcript NM_001211.6 (MANE Select); coding-DNA position 2681, T replaced by A.
Protein change: p.Ile894Asn; replaces isoleucine 894 with asparagine.
Molecular consequence: missense variant. On other transcripts: 5 prime UTR variant (2).
Genome position (GRCh38, 1-based): chr15:40,217,498, T>A. VCF-style: chr15-40217498-T-A. GRCh37 (hg19) VCF-style: chr15-40509699-T-A.
Other names: c.-370T>A (NM_001128628.3); c.-287T>A (NM_001128629.3); short protein forms I894N.
Identifiers: ClinVar variation 2155957 (VCV002155957.7), dbSNP rs756903136, ClinGen allele CA7476104.

ClinVar aggregate classification (germline): Uncertain significance. Review status: criteria provided, multiple submitters, no conflicts (2 of 4 stars). 2 submissions from 2 submitters: Uncertain significance (2). Last evaluated 2025-11-10.

Conditions:
Inborn genetic diseases. Identifiers: MedGen C0950123, MeSH D030342.
Mosaic variegated aneuploidy syndrome 1 (MVA1). Also called: Warburton-Anyane-Yeboa syndrome. Identifiers: Orphanet 1052, MedGen C1850343, MONDO:0009759, OMIM 257300.

Allele frequency attached by ClinVar (database versions not stated): gnomAD 0.00001; gnomAD exomes 0.00001; TOPMed 0.00001; ExAC 0.00002.
gnomAD v4.1: 4 of 1,613,990 alleles (0.00025%); highest among the groups gnomAD compares: Admixed American, 0.0067%; no homozygotes.

Submissions (2):

Labcorp Genetics (formerly Invitae), Labcorp
Classification: Uncertain significance for Mosaic variegated aneuploidy syndrome 1. Last evaluated: 2025-11-10. Review status: criteria provided, single submitter. Criteria: Invitae Variant Classification Sherloc (09022015). Collection method: clinical testing. Allele origin: germline.
Comment: This sequence change replaces isoleucine, which is neutral and non-polar, with asparagine, which is neutral and polar, at codon 894 of the BUB1B protein (p.Ile894Asn). This variant is present in population databases (rs756903136, gnomAD 0.01%). This variant has not been reported in the literature in individuals affected with BUB1B-related conditions. ClinVar contains an entry for this variant (Variation ID: 2155957). An algorithm developed to predict the effect of missense changes on protein structure and function (PolyPhen-2) suggests that this variant is likely to be disruptive. In summary, the available evidence is currently insufficient to determine the role of this variant in disease. Therefore, it has been classified as a Variant of Uncertain Significance.

Ambry Genetics
Classification: Uncertain significance for Inborn genetic diseases. Last evaluated: 2024-12-02. Review status: criteria provided, single submitter. Criteria: Ambry Variant Classification Scheme 2023. Collection method: clinical testing. Allele origin: germline.